The following is an entry in ClinVar:

NM_000214.3(JAG1):c.1687del (p.His562_Leu563insTer)

Gene: JAG1 (jagged canonical Notch ligand 1; minus strand). Cytogenetic location: 20p12.2.
Variant type: Deletion.
Coding change: c.1687del on transcript NM_000214.3 (MANE Select); coding-DNA position 1687, one base deleted (C; older notation c.1687delC).
Protein change: p.His562_Leu563insTer.
Molecular consequence: nonsense.
Genome position (GRCh38, 1-based): chr20:10,647,993, G deleted on the plus strand (C on the coding strand, the reverse complement: JAG1 is on the minus strand); the first of 2 consecutive G bases (chr20:10,647,993-10,647,994); deleting either gives the same sequence. VCF-style (leftmost placement, unchanged base first): chr20-10647992-AG-A. GRCh37 (hg19) VCF-style: chr20-10628640-AG-A.
Identifiers: ClinVar variation 1354095 (VCV001354095.6), dbSNP rs2122607689, ClinGen allele CA2573156842.

ClinVar aggregate classification (germline): Pathogenic (1 of 4 stars; one submission).

Conditions:
Alagille syndrome due to a JAG1 point mutation. Also called: JAG1-Related Alagille Syndrome; Alagille Syndrome 1; HEPATIC DUCTULAR HYPOPLASIA, SYNDROMATIC. Identifiers: Orphanet 261619, Orphanet 52, MedGen C1956125, MONDO:0016862, OMIM 118450.

Submission:

Labcorp Genetics (formerly Invitae), Labcorp
Classification: Pathogenic for Alagille syndrome due to a JAG1 point mutation. Last evaluated: 2021-08-29. Review status: criteria provided, single submitter. Criteria: Invitae Variant Classification Sherloc (09022015). Collection method: clinical testing. Allele origin: germline.
Comment: This sequence change creates a premature translational stop signal (p.Leu563*) in the JAG1 gene. It is expected to result in an absent or disrupted protein product. Loss-of-function variants in JAG1 are known to be pathogenic (PMID: 11180599). This variant is not present in population databases (ExAC no frequency). This variant has not been reported in the literature in individuals affected with JAG1-related conditions. For these reasons, this variant has been classified as Pathogenic.

Literature cited by the submitters: PubMed 11180599.